The following is an entry in ClinVar:

NM_001110556.2(FLNA):c.3139T>C (p.Tyr1047His)

Gene: FLNA (filamin A; minus strand). Cytogenetic location: Xq28.
Variant type: single nucleotide variant.
Coding change: c.3139T>C on transcript NM_001110556.2 (MANE Select); coding-DNA position 3139, T replaced by C.
Protein change: p.Tyr1047His; replaces tyrosine 1047 with histidine.
Molecular consequence: missense variant.
Genome position (GRCh38, 1-based): chrX:154,361,376, A>G on the plus strand (T>C on the coding strand, the complement: FLNA is on the minus strand). VCF-style: chrX-154361376-A-G. GRCh37 (hg19) VCF-style: chrX-153589744-A-G.
Other names: c.3139T>C, p.Tyr1047His (NM_001456.4); short protein forms Y1047H.
Identifiers: ClinVar variation 1038868 (VCV001038868.9), dbSNP rs2067710102, ClinGen allele CA415230208.

ClinVar aggregate classification (germline): Uncertain significance (1 of 4 stars; one submission).

Conditions:
Heterotopia, periventricular, X-linked dominant (PVNH1). Also called: PERIVENTRICULAR NODULAR HETEROTOPIA 1; X-linked periventricular heterotopia; PERIVENTRICULAR NODULAR HETEROTOPIA 4; HETEROTOPIA, PERIVENTRICULAR, 1. Identifiers: Orphanet 2149, Orphanet 82004, MedGen C1848213, MONDO:0010233, OMIM 300049.
Melnick-Needles syndrome (MNS). Also called: MELNICK-NEEDLES OSTEODYSPLASTY; OSTEODYSPLASTY OF MELNICK AND NEEDLES; Melnick-Needles Syndrome (FLNA-MNS). Identifiers: Orphanet 2484, MedGen C0025237, MONDO:0010650, OMIM 309350.
Frontometaphyseal dysplasia (FMD1). Identifiers: Orphanet 1826, MedGen C0265293, MONDO:0015942.
Oto-palato-digital syndrome, type II (OPD2). Also called: OPD II SYNDROME; FACIOPALATOOSSEOUS SYNDROME; Otopalatodigital Syndrome Type 2 (FLNA-OPD2); Otopalatodigital Syndrome, Type II. Identifiers: Orphanet 669, Orphanet 90652, MedGen C1844696, MONDO:0010571, OMIM 304120.

Allele frequency attached by ClinVar (database versions not stated): gnomAD exomes below 0.00001.
gnomAD v4.1: 1 of 1,210,357 alleles (0.000083%); highest among the groups gnomAD compares: Non-Finnish European, 0.00011%; no homozygotes.

Submission:

Labcorp Genetics (formerly Invitae), Labcorp
Classification: Uncertain significance for Oto-palato-digital syndrome, type II; Heterotopia, periventricular, X-linked dominant; Frontometaphyseal dysplasia; Melnick-Needles syndrome. Last evaluated: 2020-06-28. Review status: criteria provided, single submitter. Criteria: Invitae Variant Classification Sherloc (09022015). Collection method: clinical testing. Allele origin: germline.
Comment: In summary, the available evidence is currently insufficient to determine the role of this variant in disease. Therefore, it has been classified as a Variant of Uncertain Significance. Algorithms developed to predict the effect of missense changes on protein structure and function (SIFT, PolyPhen-2, Align-GVGD) all suggest that this variant is likely to be disruptive, but these predictions have not been confirmed by published functional studies and their clinical significance is uncertain. This variant has not been reported in the literature in individuals with FLNA-related conditions. This variant is not present in population databases (ExAC no frequency). This sequence change replaces tyrosine with histidine at codon 1047 of the FLNA protein (p.Tyr1047His). The tyrosine residue is highly conserved and there is a moderate physicochemical difference between tyrosine and histidine.